The following is an entry in ClinVar:

ClinVar aggregate classification (germline): Likely benign (1 of 4 stars; one submission).

Submission:

CeGaT Center for Human Genetics Tuebingen
Classification: Likely benign. Last evaluated: 2025-05-01. Review status: criteria provided, single submitter. Criteria: CeGaT Center For Human Genetics Tuebingen Variant Classification Criteria Version 2. Collection method: clinical testing. Allele origin: germline. Affected: yes. Observed: 1 variant allele.
Comment: FANCL: PM2:Supporting, BP4, BP7

NM_018062.4(FANCL):c.540+9600T>G

Gene: FANCL (FA complementation group L; minus strand). Cytogenetic location: 2p16.1.
Variant type: single nucleotide variant.
Coding change: c.540+9600T>G on transcript NM_018062.4 (MANE Select); 9600 bases into the intron after coding-DNA position 540, T replaced by G.
Molecular consequence: intron variant.
Genome position (GRCh38, 1-based): chr2:58,188,994, A>C on the plus strand (T>G on the coding strand, the complement: FANCL is on the minus strand). VCF-style: chr2-58188994-A-C. GRCh37 (hg19) VCF-style: chr2-58416129-A-C.
Other names: c.585+5235T>G (NM_001374615.1); c.555+9585T>G (NM_001114636.2); c.600+5235T>G (NM_001410792.1).
Identifiers: ClinVar variation 3906018 (VCV003906018.10).